The following is an entry in ClinVar:

NM_001042517.2(DIAPH3):c.40G>C (p.Gly14Arg)

Gene: DIAPH3 (diaphanous related formin 3; minus strand). Cytogenetic location: 13q21.2.
Variant type: single nucleotide variant.
Coding change: c.40G>C on transcript NM_001042517.2 (MANE Select); coding-DNA position 40, G replaced by C.
Protein change: p.Gly14Arg; replaces glycine 14 with arginine.
Molecular consequence: missense variant.
Genome position (GRCh38, 1-based): chr13:60,163,727, C>G on the plus strand (G>C on the coding strand, the complement: DIAPH3 is on the minus strand). VCF-style: chr13-60163727-C-G. GRCh37 (hg19) VCF-style: chr13-60737861-C-G.
Other names: c.40G>C, p.Gly14Arg (NM_001258366.2, NM_001258367.2, NM_001258368.2 and 1 more transcripts); short protein forms G14R.
Identifiers: ClinVar variation 2634967 (VCV002634967.5), dbSNP rs887315168, ClinGen allele CA250983399.

ClinVar aggregate classification (germline): Uncertain significance. Review status: criteria provided, multiple submitters, no conflicts (2 of 4 stars). 3 submissions from 3 submitters: Uncertain significance (3). Last evaluated 2025-09-02.

Conditions:
DIAPH3-related disorder. Also called: DIAPH3-related condition.

Allele frequency attached by ClinVar (database versions not stated): TOPMed 0.00001; gnomAD exomes 0.00002; gnomAD 0.00001.
gnomAD v4.1: 30 of 1,607,420 alleles (0.0019%); highest among the groups gnomAD compares: Non-Finnish European, 0.0025%; no homozygotes.

Submissions (3):

Labcorp Genetics (formerly Invitae), Labcorp
Classification: Uncertain significance. Last evaluated: 2025-09-02. Review status: criteria provided, single submitter. Criteria: Invitae Variant Classification Sherloc (09022015). Collection method: clinical testing. Allele origin: germline.
Comment: This sequence change replaces glycine, which is neutral and non-polar, with arginine, which is basic and polar, at codon 14 of the DIAPH3 protein (p.Gly14Arg). This variant is not present in population databases (gnomAD no frequency). This variant has not been reported in the literature in individuals affected with DIAPH3-related conditions. ClinVar contains an entry for this variant (Variation ID: 2634967). An algorithm developed to predict the effect of missense changes on protein structure and function (PolyPhen-2) suggests that this variant is likely to be tolerated. In summary, the available evidence is currently insufficient to determine the role of this variant in disease. Therefore, it has been classified as a Variant of Uncertain Significance.

Women's Health and Genetics/Laboratory Corporation of America, LabCorp
Classification: Uncertain significance. Last evaluated: 2024-09-25. Review status: criteria provided, single submitter. Criteria: LabCorp Variant Classification Summary - May 2015. Collection method: clinical testing. Allele origin: germline.
Comment: Variant summary: DIAPH3 c.40G>C (p.Gly14Arg) results in a non-conservative amino acid change in the encoded protein sequence. Four of five in-silico tools predict a benign effect of the variant on protein function. The variant was absent in 228798 control chromosomes. The available data on variant occurrences in the general population are insufficient to allow any conclusion about variant significance. To our knowledge, no occurrence of c.40G>C in individuals affected with Autosomal Dominant Auditory Neuropathy 1 and no experimental evidence demonstrating its impact on protein function have been reported. ClinVar contains an entry for this variant (Variation ID: 2634967). Based on the evidence outlined above, the variant was classified as uncertain significance.

PreventionGenetics, part of Exact Sciences
Classification: Uncertain significance for DIAPH3-related condition. Last evaluated: 2023-05-27. Review status: criteria provided, single submitter. Criteria: ACMG Guidelines, 2015. Collection method: clinical testing. Allele origin: germline.
Comment: The DIAPH3 c.40G>C variant is predicted to result in the amino acid substitution p.Gly14Arg. To our knowledge, this variant has not been reported in the literature or in a large population database, indicating this variant is rare. At this time, the clinical significance of this variant is uncertain due to the absence of conclusive functional and genetic evidence.